The following is an entry in ClinVar:

NM_133510.4(RAD51B):c.661G>A (p.Asp221Asn)

Gene: RAD51B (RAD51 paralog B; plus strand). Cytogenetic location: 14q24.1.
Variant type: single nucleotide variant.
Coding change: c.661G>A on transcript NM_133510.4 (MANE Select); coding-DNA position 661, G replaced by A.
Protein change: p.Asp221Asn; replaces aspartic acid 221 with asparagine.
Molecular consequence: missense variant.
Genome position (GRCh38, 1-based): chr14:67,887,109, G>A. VCF-style: chr14-67887109-G-A. GRCh37 (hg19) VCF-style: chr14-68353826-G-A.
Other names: c.661G>A, p.Asp221Asn (NM_001321809.2, NM_001321810.2, NM_001321812.1 and 6 more transcripts); c.547G>A, p.Asp183Asn (NM_001321815.1); c.304G>A, p.Asp102Asn (NM_001321817.2); short protein forms D102N, D183N, D221N.
Identifiers: ClinVar variation 4575294 (VCV004575294.1).

ClinVar aggregate classification (germline): Uncertain significance (1 of 4 stars; one submission).

gnomAD v4.1: 3 of 1,601,926 alleles (0.00019%); highest among the groups gnomAD compares: Non-Finnish European, 0.00026%; no homozygotes.

Submission:

Ambry Genetics
Classification: Uncertain significance. Last evaluated: 2025-10-14. Review status: criteria provided, single submitter. Criteria: Ambry Variant Classification Scheme 2023. Collection method: clinical testing. Allele origin: germline.
Comment: The p.D221N variant (also known as c.661G>A), located in coding exon 6 of the RAD51B gene, results from a G to A substitution at nucleotide position 661. The aspartic acid at codon 221 is replaced by asparagine, an amino acid with highly similar properties. This amino acid position is conserved. In addition, this alteration is predicted to be tolerated by in silico analysis. Based on the available evidence, the clinical significance of this variant remains unclear.